The following is an entry in ClinVar:

ClinVar aggregate classification (germline): Uncertain significance. Review status: criteria provided, multiple submitters, no conflicts (2 of 4 stars). 2 submissions from 2 submitters: Uncertain significance (2). Last evaluated 2025-07-03.

Conditions:
Kleefstra syndrome 1 (KLEFS1). Identifiers: Orphanet 261494, MedGen C0795833, MONDO:0027407, OMIM 610253.

gnomAD v4.1: 2 of 1,578,124 alleles (0.00013%); highest among the groups gnomAD compares: Non-Finnish European, 0.00017%; no homozygotes.

Submissions (2):

Labcorp Genetics (formerly Invitae), Labcorp
Classification: Uncertain significance for Kleefstra syndrome 1. Last evaluated: 2025-07-03. Review status: criteria provided, single submitter. Criteria: Invitae Variant Classification Sherloc (09022015). Collection method: clinical testing. Allele origin: germline.
Comment: This sequence change replaces aspartic acid, which is acidic and polar, with glutamic acid, which is acidic and polar, at codon 35 of the EHMT1 protein (p.Asp35Glu). This variant is not present in population databases (gnomAD no frequency). This variant has not been reported in the literature in individuals affected with EHMT1-related conditions. ClinVar contains an entry for this variant (Variation ID: 1513473). An algorithm developed to predict the effect of missense changes on protein structure and function (PolyPhen-2) suggests that this variant is likely to be disruptive. In summary, the available evidence is currently insufficient to determine the role of this variant in disease. Therefore, it has been classified as a Variant of Uncertain Significance.

GeneDx
Classification: Uncertain significance. Last evaluated: 2021-11-01. Review status: criteria provided, single submitter. Criteria: GeneDx Variant Classification Process June 2021. Collection method: clinical testing. Allele origin: germline. Affected: yes.
Comment: Not observed at significant frequency in large population cohorts (gnomAD); In silico analysis supports that this missense variant does not alter protein structure/function; Has not been previously published as pathogenic or benign to our knowledge

NM_024757.5(EHMT1):c.105T>G (p.Asp35Glu)

Gene: EHMT1 (euchromatic histone lysine methyltransferase 1; plus strand). Cytogenetic location: 9q34.3.
Variant type: single nucleotide variant.
Coding change: c.105T>G on transcript NM_024757.5 (MANE Select); coding-DNA position 105, T replaced by G.
Protein change: p.Asp35Glu; replaces aspartic acid 35 with glutamic acid.
Molecular consequence: missense variant.
Genome position (GRCh38, 1-based): chr9:137,716,645, T>G. VCF-style: chr9-137716645-T-G. GRCh37 (hg19) VCF-style: chr9-140611097-T-G.
Other names: c.105T>G, p.Asp35Glu (NM_001145527.2, NM_001354263.2, NM_001354611.2); c.12T>G, p.Asp4Glu (NM_001354259.2, NM_001354612.2); short protein forms D4E, D35E.
Identifiers: ClinVar variation 1513473 (VCV001513473.7), dbSNP rs1308596650, ClinGen allele CA375762153.